The following is an entry in ClinVar:

NM_017755.6(NSUN2):c.1095+1G>A

Gene: NSUN2 (NOP2/Sun RNA methyltransferase 2; minus strand). Cytogenetic location: 5p15.31.
Variant type: single nucleotide variant.
Coding change: c.1095+1G>A on transcript NM_017755.6 (MANE Select); the canonical splice donor site of the intron after coding-DNA position 1095, G replaced by A.
Molecular consequence: splice donor variant.
Genome position (GRCh38, 1-based): chr5:6,611,724, C>T on the plus strand (G>A on the coding strand, the complement: NSUN2 is on the minus strand). VCF-style: chr5-6611724-C-T. GRCh37 (hg19) VCF-style: chr5-6611837-C-T.
Other names: c.990+1G>A (NM_001193455.2).
Identifiers: ClinVar variation 1203838 (VCV001203838.4), dbSNP rs2126483278, ClinGen allele CA359121824.

ClinVar aggregate classification (germline): Pathogenic (1 of 4 stars; one submission).

Submission:

GeneDx
Classification: Pathogenic. Last evaluated: 2024-10-23. Review status: criteria provided, single submitter. Criteria: GeneDx Variant Classification Process June 2021. Collection method: clinical testing. Allele origin: germline. Affected: yes.
Comment: Canonical splice site variant predicted to result in a null allele in a gene for which loss of function is a known mechanism of disease; Not observed at significant frequency in large population cohorts (gnomAD); This variant is associated with the following publications: (PMID: 26077850)